The following is an entry in ClinVar:

ClinVar aggregate classification (germline): Likely pathogenic (1 of 4 stars; one submission).

Conditions:
Tuberous sclerosis 2 (TSC2). Identifiers: Orphanet 805, MedGen C1860707, MONDO:0013199, OMIM 613254.

Submission:

3billion
Classification: Likely pathogenic for Tuberous sclerosis 2. Last evaluated: 2025-11-12. Review status: criteria provided, single submitter. Criteria: ACMG Guidelines, 2015. Collection method: clinical testing. Allele origin: germline. Affected: yes.
Comment: The variant is not observed in the gnomAD v4.1.0 dataset. Predicted Consequence/Location: Frameshift: predicted to result in a loss or disruption of normal protein function through nonsense-mediated decay (NMD) or protein truncation. Multiple pathogenic variants are reported downstream of the variant. Therefore, this variant is classified as Likely pathogenic according to the recommendation of ACMG/AMP guideline.

NM_000548.5(TSC2):c.4753_4754delinsT (p.Lys1585fs)

Gene: TSC2 (TSC complex subunit 2; plus strand). Cytogenetic location: 16p13.3.
Variant type: Indel.
Coding change: c.4753_4754delinsT on transcript NM_000548.5 (MANE Select); coding-DNA positions 4753 to 4754, AA replaced by T.
Protein change: p.Lys1585fs; shifts the reading frame from lysine 1585.
Molecular consequence: frameshift variant. On other transcripts: non-coding transcript variant (5).
Genome position (GRCh38, 1-based): chr16:2,086,283-2,086,284, AA replaced by T. VCF-style: chr16-2086283-AA-T. GRCh37 (hg19) VCF-style: chr16-2136284-AA-T.
Other names: c.2950_2951delinsT, p.Lys984fs (NM_001406698.1); c.4624_4625delinsT, p.Lys1542fs (NM_021055.3, NM_001370405.1); c.4621_4622delinsT, p.Lys1541fs (NM_001370404.1); c.4750_4751delinsT, p.Lys1584fs (NM_001406663.1); c.4681_4682delinsT, p.Lys1561fs (NM_001406664.1); c.4675_4676delinsT, p.Lys1559fs (NM_001406665.1); c.4645_4646delinsT, p.Lys1549fs (NM_001406667.1); c.4642_4643delinsT, p.Lys1548fs (NM_001406668.1); and 26 more; short protein forms K1070fs, K1071fs, K1093fs, K1094fs, K1114fs, K1318fs, K1319fs, K1341fs.
Identifiers: ClinVar variation 4854093 (VCV004854093.1).